The following is an entry in ClinVar:

ClinVar aggregate classification (germline): Uncertain significance (1 of 4 stars; one submission).

Conditions:
Congenital myasthenic syndrome 9. Also called: Myasthenic syndrome, congenital, 9, associated with acetylcholine receptor deficiency. Identifiers: Orphanet 590, MedGen C4225368, MONDO:0014587, OMIM 616325.
Fetal akinesia deformation sequence 1 (FADS1). Also called: Pena-Shokeir syndrome type I; Fetal akinesia sequence. Identifiers: Orphanet 994, MedGen C1276035, MONDO:0100101, OMIM 208150, HP:0001989.

Submission:

Labcorp Genetics (formerly Invitae), Labcorp
Classification: Uncertain significance for Congenital myasthenic syndrome 9; Fetal akinesia deformation sequence 1. Last evaluated: 2022-02-06. Review status: criteria provided, single submitter. Criteria: Invitae Variant Classification Sherloc (09022015). Collection method: clinical testing. Allele origin: germline.
Comment: This sequence change replaces alanine, which is neutral and non-polar, with asparagine, which is neutral and polar, at codon 372 of the MUSK protein (p.Ala372Asn). Information on the frequency of this variant in the gnomAD database is not available, as this variant may be reported differently in the database. This variant has not been reported in the literature in individuals affected with MUSK-related conditions. Algorithms developed to predict the effect of missense changes on protein structure and function are either unavailable or do not agree on the potential impact of this missense change (SIFT: "Not Available"; PolyPhen-2: "Probably Damaging"; Align-GVGD: "Not Available"). In summary, the available evidence is currently insufficient to determine the role of this variant in disease. Therefore, it has been classified as a Variant of Uncertain Significance.

NM_005592.4(MUSK):c.1114_1115delinsAA (p.Ala372Asn)

Gene: MUSK (muscle associated receptor tyrosine kinase; plus strand). Cytogenetic location: 9q31.3.
Variant type: Indel.
Coding change: c.1114_1115delinsAA on transcript NM_005592.4 (MANE Select); coding-DNA positions 1114 to 1115, GC replaced by AA.
Protein change: p.Ala372Asn; replaces alanine 372 with asparagine.
Molecular consequence: missense variant. On other transcripts: 5 prime UTR variant (1), intron variant (2).
Genome position (GRCh38, 1-based): chr9:110,768,013-110,768,014, GC replaced by AA. VCF-style: chr9-110768013-GC-AA. GRCh37 (hg19) VCF-style: chr9-113530293-GC-AA.
Other names: c.-123_-122delinsAA (NM_001369398.1); c.950+5805_950+5806delinsAA (NM_001166280.2); c.920+5805_920+5806delinsAA (NM_001166281.2); short protein forms A372N.
Identifiers: ClinVar variation 1911211 (VCV001911211.2), dbSNP rs2491049336, ClinGen allele CA2580079477.